The following is an entry in ClinVar:

ClinVar aggregate classification (germline): Uncertain significance. Review status: criteria provided, multiple submitters, no conflicts (2 of 4 stars). 3 submissions from 3 submitters: Uncertain significance (3). Last evaluated 2025-10-13.

Conditions:
Inborn genetic diseases. Identifiers: MedGen C0950123, MeSH D030342.
CREBBP-related disorder. Also called: CREBBP-related disorders; CREBBP-related condition.
Menke-Hennekam syndrome 1 (MKHK1). Identifiers: MedGen C5193034, MONDO:0020763, OMIM 618332.

gnomAD v4.1: 1 of 1,614,174 alleles (0.000062%); highest among the groups gnomAD compares: South Asian, 0.0011%; no homozygotes.

Submissions (3):

PreventionGenetics, part of Exact Sciences
Classification: Uncertain significance for CREBBP-related condition. Last evaluated: 2025-10-13. Review status: criteria provided, single submitter. Criteria: ACMG Guidelines, 2015. Collection method: clinical testing. Allele origin: germline.
Comment: The CREBBP c.6946C>A variant is predicted to result in the amino acid substitution p.Pro2316Thr. To our knowledge, this variant has not been reported in the literature or in a large population database (gnomAD), indicating this variant is rare. At this time, the clinical significance of this variant is uncertain due to the absence of conclusive functional and genetic evidence.

Ambry Genetics
Classification: Uncertain significance for Inborn genetic diseases. Last evaluated: 2024-08-02. Review status: criteria provided, single submitter. Criteria: Ambry Variant Classification Scheme 2023. Collection method: clinical testing. Allele origin: germline.

Neuberg Centre For Genomic Medicine, NCGM
Classification: Uncertain significance for Menke-Hennekam syndrome 1. Last evaluated: 2024-02-01. Review status: criteria provided, single submitter. Criteria: ACMG Guidelines, 2015. Collection method: clinical testing. Allele origin: germline. Inheritance: Autosomal dominant inheritance.

NM_004380.3(CREBBP):c.6946C>A (p.Pro2316Thr)

Gene: CREBBP (CREB binding lysine acetyltransferase; minus strand). Cytogenetic location: 16p13.3.
Variant type: single nucleotide variant.
Coding change: c.6946C>A on transcript NM_004380.3 (MANE Select); coding-DNA position 6946, C replaced by A.
Protein change: p.Pro2316Thr; replaces proline 2316 with threonine.
Molecular consequence: missense variant.
Genome position (GRCh38, 1-based): chr16:3,728,101, G>T on the plus strand (C>A on the coding strand, the complement: CREBBP is on the minus strand). VCF-style: chr16-3728101-G-T. GRCh37 (hg19) VCF-style: chr16-3778102-G-T.
Other names: c.6832C>A, p.Pro2278Thr (NM_001079846.1); short protein forms P2278T, P2316T.
Identifiers: ClinVar variation 3496979 (VCV003496979.3).